The following is an entry in ClinVar:

ClinVar aggregate classification (germline): Likely benign. Review status: criteria provided, multiple submitters, no conflicts (2 of 4 stars). 2 submissions from 2 submitters: Likely benign (2). Last evaluated 2025-03-19.

Conditions:
Juvenile polyposis/hereditary hemorrhagic telangiectasia syndrome (JPHT). Also called: JP/HHT SYNDROME; JUVENILE POLYPOSIS WITH HEREDITARY HEMORRHAGIC TELANGIECTASIA; POLYPOSIS, GENERALIZED JUVENILE, WITH PULMONARY ARTERIOVENOUS MALFORMATION; TELANGIECTASIA, HEREDITARY HEMORRHAGIC, WITH JUVENILE POLYPOSIS COLI; Juvenile Polyposis Syndrome / Hereditary Hemorrhagic Telangiectasia (JPS/HHT). Identifiers: Orphanet 2929, MedGen C1832942, MONDO:0008278, OMIM 175050.
Juvenile polyposis syndrome (JPS). Identifiers: Orphanet 2929, MedGen C0345893, MONDO:0017380, OMIM 174900.

Submissions (2):

Myriad Genetics, Inc.
Classification: Likely benign for Juvenile polyposis/hereditary hemorrhagic telangiectasia syndrome. Last evaluated: 2025-03-19. Review status: criteria provided, single submitter. Criteria: Myriad Autosomal Dominant, Autosomal Recessive and X-Linked Classification Criteria (2023). Collection method: clinical testing. Allele origin: unknown.
Comment: This variant is considered likely benign. This variant is intronic and is not expected to impact mRNA splicing.

Labcorp Genetics (formerly Invitae), Labcorp
Classification: Likely benign for Juvenile polyposis syndrome. Last evaluated: 2024-09-09. Review status: criteria provided, single submitter. Criteria: Invitae Variant Classification Sherloc (09022015). Collection method: clinical testing. Allele origin: germline.

NM_005359.6(SMAD4):c.668-8T>C

Gene: SMAD4 (SMAD family member 4; plus strand). Cytogenetic location: 18q21.2.
Variant type: single nucleotide variant.
Coding change: c.668-8T>C on transcript NM_005359.6 (MANE Select); 8 bases into the intron before coding-DNA position 668, T replaced by C.
Molecular consequence: intron variant.
Genome position (GRCh38, 1-based): chr18:51,058,117, T>C. VCF-style: chr18-51058117-T-C. GRCh37 (hg19) VCF-style: chr18-48584487-T-C.
Other names: c.668-8T>C (NM_001407042.1, NM_001407041.1, NM_001407043.1).
Identifiers: ClinVar variation 3667276 (VCV003667276.3).